The following is an entry in ClinVar:

ClinVar aggregate classification (germline): Uncertain significance. Review status: criteria provided, single submitter (1 of 4 stars). 2 submissions from 2 submitters: Uncertain significance (1). 1 of the submissions does not count toward it. Last evaluated 2023-11-27.

Conditions:
Usher syndrome type 2A. Also called: RETINAL DISEASE IN USHER SYNDROME TYPE IIA, MODIFIER OF; USHER SYNDROME, TYPE IIA. Identifiers: Orphanet 231178, Orphanet 886, MedGen C1848634, MONDO:0010169, OMIM 276901.

Allele frequency attached by ClinVar (database versions not stated): ESP Exome Variant Server 0.00008.
gnomAD v4.1: 1 of 1,614,034 alleles (0.000062%); highest among the groups gnomAD compares: African/African-American, 0.0013%; no homozygotes.

Submissions (2):

Labcorp Genetics (formerly Invitae), Labcorp
Classification: Uncertain significance. Last evaluated: 2023-11-27. Review status: criteria provided, single submitter. Criteria: Invitae Variant Classification Sherloc (09022015). Collection method: clinical testing. Allele origin: germline.
Comment: This sequence change replaces threonine, which is neutral and polar, with arginine, which is basic and polar, at codon 4742 of the USH2A protein (p.Thr4742Arg). This variant is present in population databases (rs370157230, gnomAD 0.007%). This variant has not been reported in the literature in individuals affected with USH2A-related conditions. ClinVar contains an entry for this variant (Variation ID: 862614). Advanced modeling of protein sequence and biophysical properties (such as structural, functional, and spatial information, amino acid conservation, physicochemical variation, residue mobility, and thermodynamic stability) performed at Invitae indicates that this missense variant is not expected to disrupt USH2A protein function with a negative predictive value of 95%. In summary, the available evidence is currently insufficient to determine the role of this variant in disease. Therefore, it has been classified as a Variant of Uncertain Significance.

Natera, Inc.
Classification: Uncertain significance for Usher syndrome type 2A. Last evaluated: 2020-03-04. Review status: no assertion criteria provided. Collection method: clinical testing. Allele origin: germline. Not counted in ClinVar's aggregate classification.

NM_206933.4(USH2A):c.14225C>G (p.Thr4742Arg)

Gene: USH2A (usherin; minus strand). Cytogenetic location: 1q41.
Variant type: single nucleotide variant.
Coding change: c.14225C>G on transcript NM_206933.4 (MANE Select); coding-DNA position 14225, C replaced by G.
Protein change: p.Thr4742Arg; replaces threonine 4742 with arginine.
Molecular consequence: missense variant.
Genome position (GRCh38, 1-based): chr1:215,650,710, G>C on the plus strand (C>G on the coding strand, the complement: USH2A is on the minus strand). VCF-style: chr1-215650710-G-C. GRCh37 (hg19) VCF-style: chr1-215824052-G-C.
Other names: short protein forms T4742R.
Identifiers: ClinVar variation 862614 (VCV000862614.9), dbSNP rs370157230, ClinGen allele CA1393088.